The following is an entry in ClinVar:

ClinVar aggregate classification (germline): Benign/Likely benign. Review status: criteria provided, multiple submitters, no conflicts (2 of 4 stars). 5 submissions from 5 submitters: Benign (1); Likely benign (2). 2 of the submissions do not count toward it. Last evaluated 2025-11-28.

Conditions:
LAMA1-related disorder. Also called: LAMA1-related disorders; LAMA1-related condition.

Allele frequency attached by ClinVar (database versions not stated): gnomAD exomes 0.00011 and 0.00026; ExAC 0.00039; ESP Exome Variant Server 0.00115; gnomAD 0.00133 and 0.00141; TOPMed 0.00134; 1000 Genomes Project 30x 0.00172; 1000 Genomes Project 0.00180.

Submissions (5):

Labcorp Genetics (formerly Invitae), Labcorp
Classification: Benign. Last evaluated: 2025-11-28. Review status: criteria provided, single submitter. Criteria: Invitae Variant Classification Sherloc (09022015). Collection method: clinical testing. Allele origin: germline.

PreventionGenetics, part of Exact Sciences
Classification: Likely benign for LAMA1-related condition. Last evaluated: 2025-08-28. Review status: criteria provided, single submitter. Criteria: ACMG Guidelines, 2015. Collection method: clinical testing. Allele origin: germline.
Comment: This variant is classified as likely benign based on ACMG/AMP sequence variant interpretation guidelines (Richards et al. 2015 PMID: 25741868, with internal and published modifications).

Blueprint Genetics
Classification: Likely benign. Last evaluated: 2024-06-10. Review status: criteria provided, single submitter. Criteria: ACMG Guidelines, 2015. Collection method: clinical testing. Allele origin: germline.

Clinical Genetics DNA and cytogenetics Diagnostics Lab, Erasmus MC, Erasmus Medical Center
Classification: Likely benign. Review status: no assertion criteria provided. Collection method: clinical testing. Allele origin: germline. Affected: yes. Study: VKGL Data-share Consensus. Not counted in ClinVar's aggregate classification.

Clinical Genetics, Academic Medical Center
Classification: Likely benign. Review status: no assertion criteria provided. Collection method: clinical testing. Allele origin: germline. Affected: yes. Study: VKGL Data-share Consensus. Not counted in ClinVar's aggregate classification.

NM_005559.4(LAMA1):c.1563+9C>T

Genes: LAMA1 (laminin subunit alpha 1; minus strand), LOC112543434 (P300/CBP strongly-dependent group 1 enhancer GRCh37_chr18:7038146-7039345; plus strand). Cytogenetic location: 18p11.31.
Variant type: single nucleotide variant.
Coding change: c.1563+9C>T on transcript NM_005559.4 (MANE Select); 9 bases into the intron after coding-DNA position 1563, C replaced by T.
Molecular consequence: intron variant.
Genome position (GRCh38, 1-based): chr18:7,038,801, G>A on the plus strand (C>T on the coding strand, the complement: LAMA1 is on the minus strand). VCF-style: chr18-7038801-G-A. GRCh37 (hg19) VCF-style: chr18-7038800-G-A.
Other names: c.1563+9C>T (NM_005559.3).
Identifiers: ClinVar variation 1328074 (VCV001328074.13), dbSNP rs144243603, ClinGen allele CA8882964.